The following is an entry in ClinVar:

ClinVar aggregate classification (germline): Uncertain significance. Review status: criteria provided, multiple submitters, no conflicts (2 of 4 stars). 2 submissions from 2 submitters: Uncertain significance (2). Last evaluated 2024-08-15.

Conditions:
VCAN-related disorder. Also called: VCAN-related condition.

gnomAD v4.1: 21 of 1,606,578 alleles (0.0013%); highest among the groups gnomAD compares: Admixed American, 0.032%; no homozygotes.

Submissions (2):

Labcorp Genetics (formerly Invitae), Labcorp
Classification: Uncertain significance. Last evaluated: 2024-08-15. Review status: criteria provided, single submitter. Criteria: Invitae Variant Classification Sherloc (09022015). Collection method: clinical testing. Allele origin: germline.
Comment: This sequence change falls in intron 10 of the VCAN gene. It does not directly change the encoded amino acid sequence of the VCAN protein. It affects a nucleotide within the consensus splice site. This variant is present in population databases (no rsID available, gnomAD 0.02%). This variant has not been reported in the literature in individuals affected with VCAN-related conditions. ClinVar contains an entry for this variant (Variation ID: 2636871). Variants that disrupt the consensus splice site are a relatively common cause of aberrant splicing (PMID: 17576681, 9536098). Algorithms developed to predict the effect of sequence changes on RNA splicing suggest that this variant is not likely to affect RNA splicing. In summary, the available evidence is currently insufficient to determine the role of this variant in disease. Therefore, it has been classified as a Variant of Uncertain Significance.

PreventionGenetics, part of Exact Sciences
Classification: Uncertain significance for VCAN-related condition. Last evaluated: 2023-05-10. Review status: criteria provided, single submitter. Criteria: ACMG Guidelines, 2015. Collection method: clinical testing. Allele origin: germline.
Comment: The VCAN c.9493+5G>A variant is predicted to interfere with splicing. This variant is predicted to have a minimal impact on splicing based on available splicing prediction programs (Alamut Visual Plus v1.6.1), however, such computer prediction programs are imperfect. To our knowledge, this variant has not been reported in the literature. This variant is reported in 0.017% of alleles in individuals of Latino descent in gnomAD. At this time, the clinical significance of this variant is uncertain due to the absence of conclusive functional and genetic evidence.

Literature cited by the submitters: PubMed 17576681 (cited by Labcorp Genetics (formerly Invitae), Labcorp); PubMed 9536098 (cited by Labcorp Genetics (formerly Invitae), Labcorp).

NM_004385.5(VCAN):c.9493+5G>A

Genes: VCAN (versican; plus strand), VCAN-AS1 (VCAN antisense RNA 1; minus strand). Cytogenetic location: 5q14.3.
Variant type: single nucleotide variant.
Coding change: c.9493+5G>A on transcript NM_004385.5 (MANE Select); 5 bases into the intron after coding-DNA position 9493, G replaced by A.
Molecular consequence: intron variant.
Genome position (GRCh38, 1-based): chr5:83,548,089, G>A. VCF-style: chr5-83548089-G-A. GRCh37 (hg19) VCF-style: chr5-82843908-G-A.
Other names: c.4231+5G>A (NM_001164098.2); c.6532+5G>A (NM_001164097.2); c.1270+5G>A (NM_001126336.3).
Identifiers: ClinVar variation 2636871 (VCV002636871.3), dbSNP rs779261955, ClinGen allele CA560881943.